The following is an entry in ClinVar:

NM_017534.6(MYH2):c.3117T>C (p.Asp1039=)

Genes: MYHAS (myosin heavy chain gene cluster antisense RNA; plus strand), MYH2 (myosin heavy chain 2; minus strand). Cytogenetic location: 17p13.1.
Variant type: single nucleotide variant.
Coding change: c.3117T>C on transcript NM_017534.6 (MANE Select); coding-DNA position 3117, T replaced by C.
Protein change: p.Asp1039=; no amino-acid change (aspartic acid 1039 retained).
Molecular consequence: synonymous variant.
Genome position (GRCh38, 1-based): chr17:10,529,564, A>G on the plus strand (T>C on the coding strand, the complement: MYH2 is on the minus strand). VCF-style: chr17-10529564-A-G. GRCh37 (hg19) VCF-style: chr17-10432881-A-G.
Other names: c.3117T>C, p.Asp1039= (NM_001100112.2).
Identifiers: ClinVar variation 1431101 (VCV001431101.6), dbSNP rs1158331976, ClinGen allele CA497976700.
Genomic context (GRCh38, chr17:10,529,564, plus strand): 5'-CAGAAGGAATGCTTATCTTCCTTTAGAAGAAAAGAATGTCCTTGATGATACCAGACTTAC[A>G]TCATCCACTTGTTGTTCAAGTTTGATTTTAGCTTTGGTCAGGGTGTTGACTTTGTCCTCC-3'
Protein context (NP_060004.3, residues 1029-1049): AKIKLEQQVD[Asp1039=]LEGSLEQEKK

ClinVar aggregate classification (germline): Uncertain significance (1 of 4 stars; one submission).

Conditions:
Myopathy, proximal, and ophthalmoplegia (CMYO6). Also called: MYOPATHY WITH CONGENITAL JOINT CONTRACTURES, OPHTHALMOPLEGIA, AND RIMMED VACUOLES; CONGENITAL MYOPATHY 6 WITH OPHTHALMOPLEGIA; INCLUSION BODY MYOPATHY 3, AUTOSOMAL DOMINANT. Identifiers: Orphanet 363677, Orphanet 79091, MedGen C1854106, MONDO:0011577, OMIM 605637.

Allele frequency attached by ClinVar (database versions not stated): TOPMed below 0.00001.
gnomAD v4.1: 1 of 1,614,206 alleles (0.000062%); highest among the groups gnomAD compares: Non-Finnish European, 0.000085%; no homozygotes.

Submission:

Labcorp Genetics (formerly Invitae), Labcorp
Classification: Uncertain significance for Myopathy, proximal, and ophthalmoplegia. Last evaluated: 2020-11-30. Review status: criteria provided, single submitter. Criteria: Invitae Variant Classification Sherloc (09022015). Collection method: clinical testing. Allele origin: germline.
Comment: This sequence change affects codon 1039 of the MYH2 mRNA. It is a 'silent' change, meaning that it does not change the encoded amino acid sequence of the MYH2 protein. In summary, the available evidence is currently insufficient to determine the role of this variant in disease. Therefore, it has been classified as a Variant of Uncertain Significance. Algorithms developed to predict the effect of sequence changes on RNA splicing suggest that this variant is not likely to affect RNA splicing, but this prediction has not been confirmed by published transcriptional studies. This variant has not been reported in the literature in individuals with MYH2-related conditions. This variant is not present in population databases (ExAC no frequency).